The following is an entry in ClinVar:

ClinVar aggregate classification (germline): Conflicting classifications of pathogenicity. Review status: criteria provided, conflicting classifications (1 of 4 stars). 2 submissions from 2 submitters: Uncertain significance (1); Likely benign (1). Last evaluated 2023-07-26.

Conditions:
Hereditary cancer-predisposing syndrome. Also called: Tumor predisposition; Hereditary neoplastic syndrome; Neoplastic Syndromes, Hereditary; Hereditary Cancer Syndrome. Identifiers: Orphanet 140162, MedGen C0027672, MeSH D009386, MONDO:0015356.
Familial cancer of breast. Also called: Hereditary breast cancer; BREAST CANCER, FAMILIAL; hereditary breast carcinoma. Identifiers: Orphanet 227535, MedGen C0346153, MONDO:0016419, OMIM 114480. Disease mechanism: loss of function.

Allele frequency attached by ClinVar (database versions not stated): TOPMed below 0.00001.

Submissions (2):

Ambry Genetics
Classification: Likely benign for Hereditary cancer-predisposing syndrome. Last evaluated: 2023-07-26. Review status: criteria provided, single submitter. Criteria: Ambry Variant Classification Scheme 2023. Collection method: clinical testing. Allele origin: germline.

Labcorp Genetics (formerly Invitae), Labcorp
Classification: Uncertain significance for Familial cancer of breast. Last evaluated: 2021-06-17. Review status: criteria provided, single submitter. Criteria: Invitae Variant Classification Sherloc (09022015). Collection method: clinical testing. Allele origin: germline.
Comment: In summary, the available evidence is currently insufficient to determine the role of this variant in disease. Therefore, it has been classified as a Variant of Uncertain Significance. Algorithms developed to predict the effect of missense changes on protein structure and function output the following: SIFT: "Tolerated"; PolyPhen-2: "Benign"; Align-GVGD: "Class C0". The asparagine amino acid residue is found in multiple mammalian species, suggesting that this missense change does not adversely affect protein function. These predictions have not been confirmed by published functional studies and their clinical significance is uncertain. This variant has not been reported in the literature in individuals with BARD1-related conditions. This variant is not present in population databases (ExAC no frequency). This sequence change replaces serine with asparagine at codon 400 of the BARD1 protein (p.Ser400Asn). The serine residue is weakly conserved and there is a small physicochemical difference between serine and asparagine.

NM_000465.4(BARD1):c.1199G>A (p.Ser400Asn)

Gene: BARD1 (BRCA1 associated RING domain 1; minus strand). Cytogenetic location: 2q35.
Variant type: single nucleotide variant.
Coding change: c.1199G>A on transcript NM_000465.4 (MANE Select); coding-DNA position 1199, G replaced by A.
Protein change: p.Ser400Asn; replaces serine 400 with asparagine.
Molecular consequence: missense variant. On other transcripts: non-coding transcript variant (2), intron variant (3).
Genome position (GRCh38, 1-based): chr2:214,780,675, C>T on the plus strand (G>A on the coding strand, the complement: BARD1 is on the minus strand). VCF-style: chr2-214780675-C-T. GRCh37 (hg19) VCF-style: chr2-215645399-C-T.
Other names: c.1142G>A, p.Ser381Asn (NM_001282543.2); c.159-28120G>A (NM_001282548.2); c.215+16386G>A (NM_001282545.2); c.364+11622G>A (NM_001282549.2); c.1199G>A (NM_000465.2); short protein forms S381N, S400N.
Identifiers: ClinVar variation 1361981 (VCV001361981.10), dbSNP rs1694948749, ClinGen allele CA350453767.
Genomic context (GRCh38, chr2:214,780,675, plus strand): 5'-ATATTGGGCAACAGCTTCATTGCTGAGGGACTAGACATCACTCGCCTGTAACTTGAACTA[C>T]TTAATGTAGAAGGTGGTGTACCTGGTGAAAGACTAATGAATTCATCGGACATGTTACTGT-3'
Protein context (NP_000456.2, residues 390-410): LSPGTPPSTL[Ser400Asn]SSSYRRVMSS